The following is an entry in ClinVar:

NM_006618.5(KDM5B):c.202C>A (p.Pro68Thr)

Genes: KDM5B (lysine demethylase 5B; minus strand), LOC129932249 (ATAC-STARR-seq lymphoblastoid silent region 1705; plus strand). Cytogenetic location: 1q32.1.
Variant type: single nucleotide variant.
Coding change: c.202C>A on transcript NM_006618.5 (MANE Select); coding-DNA position 202, C replaced by A.
Protein change: p.Pro68Thr; replaces proline 68 with threonine.
Molecular consequence: missense variant. On other transcripts: intron variant (1).
Genome position (GRCh38, 1-based): chr1:202,808,104, G>T on the plus strand (C>A on the coding strand, the complement: KDM5B is on the minus strand). VCF-style: chr1-202808104-G-T. GRCh37 (hg19) VCF-style: chr1-202777232-G-T.
Other names: c.202C>A, p.Pro68Thr (NM_001314042.2, NM_001347591.2); c.189+13C>A (NM_001399817.1); c.202C>A (NM_006618.3); short protein forms P68T.
Identifiers: ClinVar variation 845733 (VCV000845733.8), dbSNP rs369444528, ClinGen allele CA1335084.
Genomic context (GRCh38, chr1:202,808,104, plus strand): 5'-CGCGTCCCCGCTCCCTCCCCCAGCCACGAGCTGGATCCGGGGTGCTGGCGTGACTCACCG[G>T]CGGCGGCCGCACCTTACAGATGCCAGTCTGCTCGGCTATGGGCCGGATCTTGTGGATGAA-3'
Protein context (NP_006609.3, residues 58-78): QTGICKVRPP[Pro68Thr]DWQPPFACDV

ClinVar aggregate classification (germline): Uncertain significance. Review status: criteria provided, multiple submitters, no conflicts (2 of 4 stars). 4 submissions from 4 submitters: Uncertain significance (3). 1 of the submissions does not count toward it. Last evaluated 2025-10-15.

Conditions:
Inborn genetic diseases. Identifiers: MedGen C0950123, MeSH D030342.
Intellectual developmental disorder, autosomal recessive 65. Also called: Intellectual disability, autosomal recessive 65; MENTAL RETARDATION, AUTOSOMAL RECESSIVE 65. Identifiers: MedGen C4748219, MONDO:0020850, OMIM 618109.
KDM5B-related disorder. Also called: KDM5B-related condition.

Allele frequency attached by ClinVar (database versions not stated): gnomAD 0.00009; TOPMed 0.00002.
gnomAD v4.1: 52 of 1,610,058 alleles (0.0032%); highest among the groups gnomAD compares: Admixed American, 0.017%; 1 homozygote.

Submissions (4):

Ambry Genetics
Classification: Uncertain significance for Inborn genetic diseases. Last evaluated: 2025-10-15. Review status: criteria provided, single submitter. Criteria: Ambry Variant Classification Scheme 2023. Collection method: clinical testing. Allele origin: germline.

Labcorp Genetics (formerly Invitae), Labcorp
Classification: Uncertain significance. Last evaluated: 2022-07-25. Review status: criteria provided, single submitter. Criteria: Invitae Variant Classification Sherloc (09022015). Collection method: clinical testing. Allele origin: germline.
Comment: This sequence change replaces proline, which is neutral and non-polar, with threonine, which is neutral and polar, at codon 68 of the KDM5B protein (p.Pro68Thr). This variant is present in population databases (rs369444528, gnomAD 0.01%). This missense change has been observed in individual(s) with clinical features of KDM5B-related conditions (Invitae). ClinVar contains an entry for this variant (Variation ID: 845733). Algorithms developed to predict the effect of missense changes on protein structure and function (SIFT, PolyPhen-2, Align-GVGD) all suggest that this variant is likely to be tolerated. In summary, the available evidence is currently insufficient to determine the role of this variant in disease. Therefore, it has been classified as a Variant of Uncertain Significance.

Fulgent Genetics
Classification: Uncertain significance for Intellectual developmental disorder, autosomal recessive 65. Last evaluated: 2021-07-31. Review status: criteria provided, single submitter. Criteria: ACMG Guidelines, 2015. Collection method: clinical testing. Allele origin: unknown.

PreventionGenetics, part of Exact Sciences
Classification: Uncertain significance for KDM5B-related condition. Last evaluated: 2023-10-23. Review status: no assertion criteria provided. Collection method: clinical testing. Allele origin: germline. Not counted in ClinVar's aggregate classification.
Comment: The KDM5B c.202C>A variant is predicted to result in the amino acid substitution p.Pro68Thr. To our knowledge, this variant has not been reported in the literature. This variant is reported in 0.0052% of alleles in individuals of East Asian descent in gnomAD. At this time, the clinical significance of this variant is uncertain due to the absence of conclusive functional and genetic evidence.